The following is an entry in ClinVar:

ClinVar aggregate classification (germline): Uncertain significance (1 of 4 stars; one submission).

Conditions:
Nephronophthisis. Also called: Juvenile Nephronophthisis. Identifiers: Orphanet 655, MedGen C0687120, MONDO:0019005, HP:0000090.
Jeune thoracic dystrophy. Also called: Jeune syndrome; Infantile thoracic dystrophy; Thoracic pelvic phalangeal dystrophy; Jeune's syndrome; Chondroectodermal dysplasia-like syndrome; Short-rib thoracic dysplasia. Identifiers: Orphanet 474, MedGen C0265275, MONDO:0018770.

Submission:

Labcorp Genetics (formerly Invitae), Labcorp
Classification: Uncertain significance for Jeune thoracic dystrophy; Nephronophthisis. Last evaluated: 2025-06-12. Review status: criteria provided, single submitter. Criteria: Invitae Variant Classification Sherloc (09022015). Collection method: clinical testing. Allele origin: germline.
Comment: This sequence change replaces aspartic acid, which is acidic and polar, with glutamic acid, which is acidic and polar, at codon 612 of the TTC21B protein (p.Asp612Glu). This variant is not present in population databases (gnomAD no frequency). This variant has not been reported in the literature in individuals affected with TTC21B-related conditions. ClinVar contains an entry for this variant (Variation ID: 2101522). Invitae Evidence Modeling of protein sequence and biophysical properties (such as structural, functional, and spatial information, amino acid conservation, physicochemical variation, residue mobility, and thermodynamic stability) indicates that this missense variant is not expected to disrupt TTC21B protein function with a negative predictive value of 95%. In summary, the available evidence is currently insufficient to determine the role of this variant in disease. Therefore, it has been classified as a Variant of Uncertain Significance.

NM_024753.5(TTC21B):c.1836T>A (p.Asp612Glu)

Gene: TTC21B (tetratricopeptide repeat domain 21B; minus strand). Cytogenetic location: 2q24.3.
Variant type: single nucleotide variant.
Coding change: c.1836T>A on transcript NM_024753.5 (MANE Select); coding-DNA position 1836, T replaced by A.
Protein change: p.Asp612Glu; replaces aspartic acid 612 with glutamic acid.
Molecular consequence: missense variant.
Genome position (GRCh38, 1-based): chr2:165,917,320, A>T on the plus strand (T>A on the coding strand, the complement: TTC21B is on the minus strand). VCF-style: chr2-165917320-A-T. GRCh37 (hg19) VCF-style: chr2-166773830-A-T.
Other names: short protein forms D612E.
Identifiers: ClinVar variation 2101522 (VCV002101522.4), dbSNP rs750611090, ClinGen allele CA349059919.
Genomic context (GRCh38, chr2:165,917,320, plus strand): 5'-CTCTCCATTTAAGCGGTGAACGTCTATCAATTCAAGAAAGATCGATAAACGATGGCTTGT[A>T]TCAACTTCAGTTTTTCTGTCTTTTGATTTTGTGGAAGCTCCAATTCTTTTCATTCCTGGT-3'
Protein context (NP_079029.3, residues 602-622): TKSKDRKTEV[Asp612Glu]TSHRLSIFLE